The following continues an entry in ClinVar:

NM_007294.4(BRCA1):c.843_846del (p.Ser282fs)

Gene: BRCA1. ClinVar aggregate classification (germline): Pathogenic. Pathogenic (1).

Submissions 36 to 38 of 38:

Clinical Genetics Laboratory, Department of Pathology, Netherlands Cancer Institute
Classification: Pathogenic. Review status: no assertion criteria provided. Collection method: clinical testing. Allele origin: germline. Affected: yes. Study: VKGL Data-share Consensus. Not counted in ClinVar's aggregate classification.

Department of Pathology and Laboratory Medicine, Sinai Health System
Classification: Pathogenic. Review status: no assertion criteria provided. Collection method: clinical testing. Allele origin: unknown. Affected: yes. Study: The Canadian Open Genetics Repository (COGR). Not counted in ClinVar's aggregate classification.
Comment: The p.Ser282TyrfsX15 variant has been reported in 25 of 3463 probands with breast or ovarian cancer (Anton-Culver_2000_10882857, Capalbo_2006_16760289, Wagner_1998_9663595, Zhang_2011_21324516, Machackova_2008_18489799, Janezic_1999_10196379). In addition, The p.Ser282TyrfsX15 variant is predicted to cause a frameshift, which alters the protein's amino acid sequence beginning at codon 282 and leads to a premature stop codon 15 codons downstream. This alteration is then predicted to lead to a truncated or absent protein and loss of function. Loss of function variants are an established mechanism of disease for the BRCA1 gene, which makes it highly likely that the p.Ser282TyrfsX15 variant is pathogenic.

Diagnostic Laboratory, Department of Genetics, University Medical Center Groningen
Classification: Pathogenic for Breast-ovarian cancer, familial, susceptibility to, 1. Review status: no assertion criteria provided. Collection method: clinical testing. Allele origin: germline. Affected: yes. Study: VKGL Data-share Consensus. Not counted in ClinVar's aggregate classification.

Literature cited by the submitters: PubMed 20104584 (cited by Labcorp Genetics (formerly Invitae), Labcorp); PubMed 9663595 (cited by 4 submitters); PubMed 10196379 (cited by 6 submitters); PubMed 17319787 (cited by Labcorp Genetics (formerly Invitae), Labcorp and Laboratory for Molecular Medicine, Mass General Brigham Personalized Medicine); PubMed 21203900 (cited by Labcorp Genetics (formerly Invitae), Labcorp and Laboratory for Molecular Medicine, Mass General Brigham Personalized Medicine); PubMed 21324156 (cited by Labcorp Genetics (formerly Invitae), Labcorp); PubMed 23110154 (cited by 4 submitters); PubMed 29339979 (cited by 3 submitters); PubMed 21232165 (cited by Ambry Genetics and Laboratory for Molecular Medicine, Mass General Brigham Personalized Medicine); PubMed 23635950 (cited by Ambry Genetics and Laboratory for Molecular Medicine, Mass General Brigham Personalized Medicine); PubMed 24728189 (cited by 4 submitters); PubMed 24797986 (cited by Ambry Genetics and Color Diagnostics, LLC DBA Color Health); PubMed 26681312 (cited by 4 submitters); PubMed 28324225 (cited by 3 submitters); PubMed 29785153 (cited by 4 submitters); PubMed 9808526 (cited by Color Diagnostics, LLC DBA Color Health); PubMed 21324516 (cited by 3 submitters); PubMed 30441849 (cited by Color Diagnostics, LLC DBA Color Health and Laboratory for Molecular Medicine, Mass General Brigham Personalized Medicine); PubMed 27062684 (cited by Quest Diagnostics Nichols Institute San Juan Capistrano and Laboratory for Molecular Medicine, Mass General Brigham Personalized Medicine); PubMed 30787465 (cited by Quest Diagnostics Nichols Institute San Juan Capistrano); PubMed 31159747 (cited by Quest Diagnostics Nichols Institute San Juan Capistrano and Laboratory for Molecular Medicine, Mass General Brigham Personalized Medicine); PubMed 32341426 (cited by Quest Diagnostics Nichols Institute San Juan Capistrano); PubMed 16267036 (cited by Women's Health and Genetics/Laboratory Corporation of America, LabCorp and Laboratory for Molecular Medicine, Mass General Brigham Personalized Medicine); PubMed 29446198 (cited by Women's Health and Genetics/Laboratory Corporation of America, LabCorp); PubMed 10882857 (cited by Laboratory for Molecular Medicine, Mass General Brigham Personalized Medicine); PubMed 29168416 (cited by Laboratory for Molecular Medicine, Mass General Brigham Personalized Medicine); PubMed 16760289 (cited by Laboratory for Molecular Medicine, Mass General Brigham Personalized Medicine); PubMed 18489799 (cited by Laboratory for Molecular Medicine, Mass General Brigham Personalized Medicine); PubMed 38922859 (cited by Molecular Oncology, Hospital Universitario Central de Asturias (HUCA)); PubMed 32295079 (cited by CZECANCA consortium); Wagner et al. Int. J. Cancer, in press (cited by Breast Cancer Information Core (BIC) (BRCA1)).